The following is an entry in ClinVar:

NM_032119.4(ADGRV1):c.4115T>G (p.Ile1372Arg)

Gene: ADGRV1 (adhesion G protein-coupled receptor V1; plus strand). Cytogenetic location: 5q14.3.
Variant type: single nucleotide variant.
Coding change: c.4115T>G on transcript NM_032119.4 (MANE Select); coding-DNA position 4115, T replaced by G.
Protein change: p.Ile1372Arg; replaces isoleucine 1372 with arginine.
Molecular consequence: missense variant. On other transcripts: non-coding transcript variant (1).
Genome position (GRCh38, 1-based): chr5:90,653,689, T>G. VCF-style: chr5-90653689-T-G. GRCh37 (hg19) VCF-style: chr5-89949506-T-G.
Other names: short protein forms I1372R.
Identifiers: ClinVar variation 1498724 (VCV001498724.5), dbSNP rs2149467899, ClinGen allele CA360401436.
Genomic context (GRCh38, chr5:90,653,689, plus strand): 5'-TTGCCAACTTTACATTCTCAGCTTGGGTAATGCCCAATGCCAATACGAATGGATTCATTA[T>G]AGCGAAGGATGACGGTAATGGAAGCATCTACTACGGGGTAAAAATACAAACAAACGAATC-3'
Protein context (NP_115495.3, residues 1362-1382): MPNANTNGFI[Ile1372Arg]AKDDGNGSIY

ClinVar aggregate classification (germline): Uncertain significance (1 of 4 stars; one submission).

Submission:

Labcorp Genetics (formerly Invitae), Labcorp
Classification: Uncertain significance. Last evaluated: 2022-03-19. Review status: criteria provided, single submitter. Criteria: Invitae Variant Classification Sherloc (09022015). Collection method: clinical testing. Allele origin: germline.
Comment: This sequence change replaces isoleucine, which is neutral and non-polar, with arginine, which is basic and polar, at codon 1372 of the ADGRV1 protein (p.Ile1372Arg). This variant is not present in population databases (gnomAD no frequency). This missense change has been observed in individual(s) with Usher syndrome (Invitae). In at least one individual the data is consistent with being in trans (on the opposite chromosome) from a pathogenic variant. Algorithms developed to predict the effect of missense changes on protein structure and function are either unavailable or do not agree on the potential impact of this missense change (SIFT: "Deleterious"; PolyPhen-2: "Benign"; Align-GVGD: "Class C0"). In summary, the available evidence is currently insufficient to determine the role of this variant in disease. Therefore, it has been classified as a Variant of Uncertain Significance.